The following is an entry in ClinVar:

ClinVar aggregate classification (germline): Uncertain significance. Review status: criteria provided, multiple submitters, no conflicts (2 of 4 stars). 2 submissions from 2 submitters: Uncertain significance (2). Last evaluated 2025-02-07.

Conditions:
Inborn genetic diseases. Identifiers: MedGen C0950123, MeSH D030342.
Parkinson disease 17 (PARK17). Also called: VPS35-Related Parkinson Disease. Identifiers: Orphanet 411602, MedGen C3280133, MONDO:0013625, OMIM 614203.

Allele frequency attached by ClinVar (database versions not stated): gnomAD exomes below 0.00001.

Submissions (2):

Labcorp Genetics (formerly Invitae), Labcorp
Classification: Uncertain significance for Parkinson disease 17. Last evaluated: 2025-02-07. Review status: criteria provided, single submitter. Criteria: Invitae Variant Classification Sherloc (09022015). Collection method: clinical testing. Allele origin: germline.
Comment: This sequence change replaces arginine, which is basic and polar, with histidine, which is basic and polar, at codon 138 of the VPS35 protein (p.Arg138His). This variant is not present in population databases (gnomAD no frequency). This variant has not been reported in the literature in individuals affected with VPS35-related conditions. ClinVar contains an entry for this variant (Variation ID: 3188913). Invitae Evidence Modeling of protein sequence and biophysical properties (such as structural, functional, and spatial information, amino acid conservation, physicochemical variation, residue mobility, and thermodynamic stability) indicates that this missense variant is expected to disrupt VPS35 protein function with a positive predictive value of 80%. In summary, the available evidence is currently insufficient to determine the role of this variant in disease. Therefore, it has been classified as a Variant of Uncertain Significance.

Ambry Genetics
Classification: Uncertain significance for Inborn genetic diseases. Last evaluated: 2023-12-11. Review status: criteria provided, single submitter. Criteria: Ambry Variant Classification Scheme 2023. Collection method: clinical testing. Allele origin: germline.

NM_018206.6(VPS35):c.413G>A (p.Arg138His)

Gene: VPS35 (VPS35 retromer complex component; minus strand). Cytogenetic location: 16q11.2.
Variant type: single nucleotide variant.
Coding change: c.413G>A on transcript NM_018206.6 (MANE Select); coding-DNA position 413, G replaced by A.
Protein change: p.Arg138His; replaces arginine 138 with histidine.
Molecular consequence: missense variant.
Genome position (GRCh38, 1-based): chr16:46,680,764, C>T on the plus strand (G>A on the coding strand, the complement: VPS35 is on the minus strand). VCF-style: chr16-46680764-C-T. GRCh37 (hg19) VCF-style: chr16-46714676-C-T.
Other names: short protein forms R138H.
Identifiers: ClinVar variation 3188913 (VCV003188913.2), dbSNP rs2548884889, ClinGen allele CA395814320.